The following is an entry in ClinVar:

NM_145045.5(ODAD3):c.583_595dup (p.His199fs)

Gene: ODAD3 (outer dynein arm docking complex subunit 3; minus strand). Cytogenetic location: 19p13.2.
Variant type: Duplication.
Coding change: c.583_595dup on transcript NM_145045.5 (MANE Select); coding-DNA positions 583 to 595, 13 bases duplicated (GCGCAAAACAGAC).
Protein change: p.His199fs; shifts the reading frame from histidine 199.
Molecular consequence: frameshift variant.
Genome position (GRCh38, 1-based): chr19:11,426,890-11,426,902, GTCTGTTTTGCGC duplicated on the plus strand (GCGCAAAACAGAC on the coding strand, the reverse complement: ODAD3 is on the minus strand). VCF-style (leftmost placement, unchanged base first): chr19-11426889-T-TGTCTGTTTTGCGC. GRCh37 (hg19) VCF-style: chr19-11537709-T-TGTCTGTTTTGCGC.
Other names: c.421_433dup, p.His145fs (NM_001302453.1); c.505_517dup, p.His173fs (NM_001302454.2); c.583_595dupGCGCAAAACAGAC (NM_145045.4); short protein forms H199fs, H145fs, H173fs.
Identifiers: ClinVar variation 570784 (VCV000570784.10), dbSNP rs750658321, ClinGen allele CA9212358.

ClinVar aggregate classification (germline): Pathogenic. Review status: criteria provided, multiple submitters, no conflicts (2 of 4 stars). 2 submissions from 2 submitters: Pathogenic (2). Last evaluated 2026-01-26.

Conditions:
Primary ciliary dyskinesia 30. Also called: CILIARY DYSKINESIA, PRIMARY, 30, WITH OR WITHOUT SITUS INVERSUS. Identifiers: Orphanet 244, MedGen C4015016, MONDO:0014465, OMIM 616037.

Allele frequency attached by ClinVar (database versions not stated): gnomAD exomes below 0.00001; ExAC 0.00001; gnomAD 0.00001; TOPMed 0.00001.

Submissions (2):

Labcorp Genetics (formerly Invitae), Labcorp
Classification: Pathogenic for Primary ciliary dyskinesia 30. Last evaluated: 2026-01-26. Review status: criteria provided, single submitter. Criteria: Invitae Variant Classification Sherloc (09022015). Collection method: clinical testing. Allele origin: germline.
Comment: This sequence change creates a premature translational stop signal (p.His199Argfs*60) in the CCDC151 gene. It is expected to result in an absent or disrupted protein product. Loss-of-function variants in CCDC151 are known to be pathogenic (PMID: 25192045). This variant is not present in population databases (gnomAD no frequency). This variant has not been reported in the literature in individuals affected with CCDC151-related conditions. ClinVar contains an entry for this variant (Variation ID: 570784). For these reasons, this variant has been classified as Pathogenic.

3billion
Classification: Pathogenic for Primary ciliary dyskinesia 30. Last evaluated: 2023-02-23. Review status: criteria provided, single submitter. Criteria: ACMG Guidelines, 2015. Collection method: clinical testing. Allele origin: unknown. Affected: yes.
Comment: The variant is observed at an extremely low frequency in the gnomAD v2.1.1 dataset (total allele frequency: <0.001%). This variant was predicted to result in a loss or disruption of normal protein function through nonsense-mediated decay (NMD) or protein truncation. Multiple pathogenic variants are reported downstream of the variant. The variant has been reported to be associated with ODAD3 related disorder (ClinVar ID: VCV000570784 / PMID: 31213628). Therefore, this variant is classified as Pathogenic according to the recommendation of ACMG/AMP guideline.

Literature cited by the submitters: PubMed 25192045 (cited by Labcorp Genetics (formerly Invitae), Labcorp); PubMed 31213628 (cited by 3billion).